The following is an entry in ClinVar:

NM_001077665.3(AGAP6):c.147A>G (p.Val49=)

Genes: AGAP6 (ArfGAP with GTPase domain, ankyrin repeat and PH domain 6; plus strand), TIMM23B-AGAP6 (TIMM23B-AGAP6 readthrough (NMD candidate); plus strand). Cytogenetic location: 10q11.23.
Variant type: single nucleotide variant.
Coding change: c.147A>G on transcript NM_001077665.3 (MANE Select); coding-DNA position 147, A replaced by G.
Protein change: p.Val49=; no amino-acid change (valine 49 retained).
Molecular consequence: synonymous variant. On other transcripts: non-coding transcript variant (4).
Genome position (GRCh38, 1-based): chr10:49,988,862, A>G. VCF-style: chr10-49988862-A-G. GRCh37 (hg19) VCF-style: chr10-51748622-A-G.
Other names: c.-791A>G (NM_001365867.2).
Identifiers: ClinVar variation 2640466 (VCV002640466.24), dbSNP rs371327390, ClinGen allele CA5500963.

ClinVar aggregate classification (germline): Likely benign (1 of 4 stars; one submission).

Allele frequency attached by ClinVar (database versions not stated): gnomAD 0.00025; 1000 Genomes Project 0.00080; 1000 Genomes Project 30x 0.00172.

Submission:

CeGaT Center for Human Genetics Tuebingen
Classification: Likely benign. Last evaluated: 2022-05-01. Review status: criteria provided, single submitter. Criteria: CeGaT Center For Human Genetics Tuebingen Variant Classification Criteria Version 2. Collection method: clinical testing. Allele origin: germline. Affected: yes. Observed: 1 variant allele.
Comment: AGAP6: BP4, BP7